The following is an entry in ClinVar:

NM_018180.3(DHX32):c.1327C>T (p.His443Tyr)

Genes: BCCIP (BRCA2 and CDKN1A interacting protein; plus strand), DHX32 (DEAH-box helicase 32 (putative); minus strand). Cytogenetic location: 10q26.2.
Variant type: single nucleotide variant.
Coding change: c.1327C>T on transcript NM_018180.3 (MANE Select); coding-DNA position 1327, C replaced by T.
Protein change: p.His443Tyr; replaces histidine 443 with tyrosine.
Molecular consequence: missense variant. On other transcripts: intron variant (1).
Genome position (GRCh38, 1-based): chr10:125,852,317, G>A on the plus strand (C>T on the coding strand, the complement: DHX32 is on the minus strand). VCF-style: chr10-125852317-G-A. GRCh37 (hg19) VCF-style: chr10-127540886-G-A.
Other names: c.851-808G>A (NM_016567.4); short protein forms H443Y.
Identifiers: ClinVar variation 1959396 (VCV001959396.6), dbSNP rs746822709, ClinGen allele CA5739218.

ClinVar aggregate classification (germline): Uncertain significance. Review status: criteria provided, multiple submitters, no conflicts (2 of 4 stars). 2 submissions from 2 submitters: Uncertain significance (2). Last evaluated 2025-06-11.

Allele frequency attached by ClinVar (database versions not stated): gnomAD exomes 0.00001; TOPMed 0.00001; ExAC 0.00003; gnomAD 0.00002.
gnomAD v4.1: 18 of 1,614,026 alleles (0.0011%); highest among the groups gnomAD compares: East Asian, 0.025%; no homozygotes.

Submissions (2):

Ambry Genetics
Classification: Uncertain significance. Last evaluated: 2025-06-11. Review status: criteria provided, single submitter. Criteria: Ambry Variant Classification Scheme 2023. Collection method: clinical testing. Allele origin: germline.

Labcorp Genetics (formerly Invitae), Labcorp
Classification: Uncertain significance. Last evaluated: 2022-01-17. Review status: criteria provided, single submitter. Criteria: Invitae Variant Classification Sherloc (09022015). Collection method: clinical testing. Allele origin: germline.
Comment: Algorithms developed to predict the effect of missense changes on protein structure and function are either unavailable or do not agree on the potential impact of this missense change (SIFT: "Deleterious"; PolyPhen-2: "Possibly Damaging"; Align-GVGD: "Class C15"). This variant has not been reported in the literature in individuals affected with DHX32-related conditions. The frequency data for this variant in the population databases is considered unreliable, as metrics indicate poor data quality at this position in the gnomAD database. This sequence change replaces histidine, which is basic and polar, with tyrosine, which is neutral and polar, at codon 443 of the DHX32 protein (p.His443Tyr). In summary, the available evidence is currently insufficient to determine the role of this variant in disease. Therefore, it has been classified as a Variant of Uncertain Significance.